The following is an entry in ClinVar:

NM_000535.7(PMS2):c.804-10T>C

Gene: PMS2 (PMS1 homolog 2, mismatch repair system component; minus strand). Cytogenetic location: 7p22.1.
Variant type: single nucleotide variant.
Coding change: c.804-10T>C on transcript NM_000535.7 (MANE Select); 10 bases into the intron before coding-DNA position 804, T replaced by C.
Molecular consequence: intron variant.
Genome position (GRCh38, 1-based): chr7:5,995,643, A>G on the plus strand (T>C on the coding strand, the complement: PMS2 is on the minus strand). VCF-style: chr7-5995643-A-G. GRCh37 (hg19) VCF-style: chr7-6035274-A-G.
Other names: c.486-10T>C (NM_001322008.2, NM_001406902.1, NM_001406883.1 and 4 more transcripts); c.495-10T>C (NM_001406881.1, NM_001406879.1, NM_001322015.2 and 6 more transcripts); c.399-10T>C (NM_001406895.1, NM_001322010.2, NM_001322004.2 and 19 more transcripts); c.133-3586T>C (NM_001406911.1); c.291-10T>C (NM_001406904.1, NM_001406905.1); c.231-10T>C (NM_001322013.2, NM_001406909.1); c.-130-10T>C (NM_001322012.2, NM_001322011.2); c.468-10T>C (NM_001406885.1); and 8 more.
Identifiers: ClinVar variation 2804452 (VCV002804452.4), dbSNP rs267608151, ClinGen allele CA153238032.
Genomic context (GRCh38, chr7:5,995,643, plus strand): 5'-GTTGAACTCCTTCCAACTCCATGCGTGCATTGTGAAATGAAACCTGAGATGCTATTCAAC[A>G]TTAATATGGTAAGGGCAGGATTCCAGAGTGAAAGGGATTAGAAATACGATCACATGGCAC-3'

ClinVar aggregate classification (germline): Likely benign. Review status: criteria provided, multiple submitters, no conflicts (2 of 4 stars). 2 submissions from 2 submitters: Likely benign (2). Last evaluated 2025-01-28.

Conditions:
Lynch syndrome 4 (LYNCH4). Also called: Colorectal cancer, hereditary nonpolyposis, type 4; Hereditary non-polyposis colorectal cancer, type 4. Identifiers: Orphanet 144, MedGen C1838333, MONDO:0013699, OMIM 614337. Disease mechanism: loss of function.
Hereditary nonpolyposis colorectal neoplasms. Identifiers: MedGen C0009405, MeSH D003123.

gnomAD v4.1: 3 of 1,570,094 alleles (0.00019%); highest among the groups gnomAD compares: Non-Finnish European, 0.00026%; no homozygotes.

Submissions (2):

Myriad Genetics, Inc.
Classification: Likely benign for Lynch syndrome 4. Last evaluated: 2025-01-28. Review status: criteria provided, single submitter. Criteria: Myriad Autosomal Dominant, Autosomal Recessive and X-Linked Classification Criteria (2023). Collection method: clinical testing. Allele origin: unknown.
Comment: This variant is considered likely benign. This variant is intronic and is not expected to impact mRNA splicing.

Labcorp Genetics (formerly Invitae), Labcorp
Classification: Likely benign for Hereditary nonpolyposis colorectal neoplasms. Last evaluated: 2022-11-24. Review status: criteria provided, single submitter. Criteria: Invitae Variant Classification Sherloc (09022015). Collection method: clinical testing. Allele origin: germline.